The following is an entry in ClinVar:

NM_001127222.2(CACNA1A):c.2327A>G (p.Gln776Arg)

Gene: CACNA1A (calcium voltage-gated channel subunit alpha1 A; minus strand). Cytogenetic location: 19p13.13.
Variant type: single nucleotide variant.
Coding change: c.2327A>G on transcript NM_001127222.2 (MANE Select); coding-DNA position 2327, A replaced by G.
Protein change: p.Gln776Arg; replaces glutamine 776 with arginine.
Molecular consequence: missense variant.
Genome position (GRCh38, 1-based): chr19:13,299,306, T>C on the plus strand (A>G on the coding strand, the complement: CACNA1A is on the minus strand). VCF-style: chr19-13299306-T-C. GRCh37 (hg19) VCF-style: chr19-13410120-T-C.
Other names: c.2339A>G, p.Gln780Arg (NM_000068.4, NM_023035.3); c.2330A>G, p.Gln777Arg (NM_001127221.2, NM_001174080.2); short protein forms Q776R, Q777R, Q780R.
Identifiers: ClinVar variation 2153397 (VCV002153397.4), dbSNP rs2512910991, ClinGen allele CA404343697.
Genomic context (GRCh38, chr19:13,299,306, plus strand): 5'-TCGTTATACAGGGCCTCCCGGCTGGCCAGCAAGTTCTGCTTTCGCATCTCACTGGTCCGC[T>C]GCTCCCACACGGACTTGGCTGGCTTTTGATTCTTCTGTTGCTCTTTCCTGCAGTGGCATG-3'
Protein context (NP_001120694.1, residues 766-786): NQKPAKSVWE[Gln776Arg]RTSEMRKQNL

ClinVar aggregate classification (germline): Uncertain significance (1 of 4 stars; one submission).

Conditions:
Developmental and epileptic encephalopathy, 42 (DEE42A). Also called: DEVELOPMENTAL AND EPILEPTIC ENCEPHALOPATHY 42A; EPILEPTIC ENCEPHALOPATHY, EARLY INFANTILE, 42A; Epileptic encephalopathy, early infantile, 42. Identifiers: MedGen C4310716, MONDO:0014917, OMIM 617106.
Episodic ataxia type 2 (EA2). Also called: ATAXIA, EPISODIC, WITH NYSTAGMUS; ATAXIA, FAMILIAL PAROXYSMAL; CEREBELLAR ATAXIA, PAROXYSMAL, ACETAZOLAMIDE-RESPONSIVE; CEREBELLOPATHY, HEREDITARY PAROXYSMAL; EPISODIC ATAXIA, NYSTAGMUS-ASSOCIATED; ACETAZOLAMIDE-RESPONSIVE HEREDITARY PAROXYSMAL CEREBELLAR ATAXIA. Identifiers: Orphanet 97, MedGen C1720416, MONDO:0007163, OMIM 108500.

Submission:

Labcorp Genetics (formerly Invitae), Labcorp
Classification: Uncertain significance for Developmental and epileptic encephalopathy, 42; Episodic ataxia type 2. Last evaluated: 2024-08-27. Review status: criteria provided, single submitter. Criteria: Invitae Variant Classification Sherloc (09022015). Collection method: clinical testing. Allele origin: germline.
Comment: This sequence change replaces glutamine, which is neutral and polar, with arginine, which is basic and polar, at codon 777 of the CACNA1A protein (p.Gln777Arg). This variant is not present in population databases (gnomAD no frequency). This variant has not been reported in the literature in individuals affected with CACNA1A-related conditions. ClinVar contains an entry for this variant (Variation ID: 2153397). Invitae Evidence Modeling of protein sequence and biophysical properties (such as structural, functional, and spatial information, amino acid conservation, physicochemical variation, residue mobility, and thermodynamic stability) has been performed for this missense variant. However, the output from this modeling did not meet the statistical confidence thresholds required to predict the impact of this variant on CACNA1A protein function. In summary, the available evidence is currently insufficient to determine the role of this variant in disease. Therefore, it has been classified as a Variant of Uncertain Significance.